The following is an entry in ClinVar:

ClinVar aggregate classification (germline): Uncertain significance. Review status: criteria provided, multiple submitters, no conflicts (2 of 4 stars). 2 submissions from 2 submitters: Uncertain significance (2). Last evaluated 2022-06-13.

Conditions:
Ullrich congenital muscular dystrophy 2 (UCMD2). Identifiers: Orphanet 75840, MedGen C4225314, MONDO:0014654, OMIM 616470.
Bethlem myopathy 2 (BTHLM2). Identifiers: Orphanet 536516, Orphanet 610, MedGen C4225313, MONDO:0034022, OMIM 616471.

Submissions (2):

Labcorp Genetics (formerly Invitae), Labcorp
Classification: Uncertain significance for Bethlem myopathy 2; Ullrich congenital muscular dystrophy 2. Last evaluated: 2022-06-13. Review status: criteria provided, single submitter. Criteria: Invitae Variant Classification Sherloc (09022015). Collection method: clinical testing. Allele origin: germline.
Comment: In summary, the available evidence is currently insufficient to determine the role of this variant in disease. Therefore, it has been classified as a Variant of Uncertain Significance. Algorithms developed to predict the effect of missense changes on protein structure and function are either unavailable or do not agree on the potential impact of this missense change (SIFT: "Deleterious"; PolyPhen-2: "Probably Damaging"; Align-GVGD: "Class C0"). This variant has not been reported in the literature in individuals affected with COL12A1-related conditions. This variant is not present in population databases (gnomAD no frequency). This sequence change replaces methionine, which is neutral and non-polar, with valine, which is neutral and non-polar, at codon 218 of the COL12A1 protein (p.Met218Val).

Revvity Omics, Revvity
Classification: Uncertain significance. Last evaluated: 2021-04-14. Review status: criteria provided, single submitter. Criteria: ACMG Guidelines, 2015. Collection method: clinical testing. Allele origin: germline.

NM_004370.6(COL12A1):c.652A>G (p.Met218Val)

Gene: COL12A1 (collagen type XII alpha 1 chain; minus strand). Cytogenetic location: 6q13.
Variant type: single nucleotide variant.
Coding change: c.652A>G on transcript NM_004370.6 (MANE Select); coding-DNA position 652, A replaced by G.
Protein change: p.Met218Val; replaces methionine 218 with valine.
Molecular consequence: missense variant. On other transcripts: intron variant (1).
Genome position (GRCh38, 1-based): chr6:75,189,558, T>C on the plus strand (A>G on the coding strand, the complement: COL12A1 is on the minus strand). VCF-style: chr6-75189558-T-C. GRCh37 (hg19) VCF-style: chr6-75899274-T-C.
Other names: c.73+13162A>G (NM_080645.3); short protein forms M218V.
Identifiers: ClinVar variation 1486409 (VCV001486409.11), dbSNP rs2149475531, ClinGen allele CA364728433.